The following is an entry in ClinVar:

ClinVar aggregate classification (germline): Pathogenic (1 of 4 stars; one submission).

Submission:

Labcorp Genetics (formerly Invitae), Labcorp
Classification: Pathogenic. Last evaluated: 2023-03-07. Review status: criteria provided, single submitter. Criteria: Invitae Variant Classification Sherloc (09022015). Collection method: clinical testing. Allele origin: germline.
Comment: This variant is not present in population databases (gnomAD no frequency). For these reasons, this variant has been classified as Pathogenic. This variant has not been reported in the literature in individuals affected with HPS5-related conditions. This sequence change creates a premature translational stop signal (p.Cys496*) in the HPS5 gene. It is expected to result in an absent or disrupted protein product. Loss-of-function variants in HPS5 are known to be pathogenic (PMID: 12548288, 15296495, 21833017, 26785811).

Literature cited by the submitters: PubMed 12548288; PubMed 15296495; PubMed 21833017; PubMed 26785811.

NM_181507.2(HPS5):c.1488T>A (p.Cys496Ter)

Gene: HPS5 (HPS5 biogenesis of lysosomal organelles complex 2 subunit 2; minus strand). Cytogenetic location: 11p15.1.
Variant type: single nucleotide variant.
Coding change: c.1488T>A on transcript NM_181507.2 (MANE Select); coding-DNA position 1488, T replaced by A.
Protein change: p.Cys496Ter; replaces cysteine 496 with a stop codon.
Molecular consequence: nonsense.
Genome position (GRCh38, 1-based): chr11:18,296,820, A>T on the plus strand (T>A on the coding strand, the complement: HPS5 is on the minus strand). VCF-style: chr11-18296820-A-T. GRCh37 (hg19) VCF-style: chr11-18318367-A-T.
Other names: c.1146T>A, p.Cys382Ter (NM_007216.4, NM_181508.2); short protein forms C496*, C382*.
Identifiers: ClinVar variation 2843462 (VCV002843462.3), dbSNP rs2134334628, ClinGen allele CA379495321.